The following is an entry in ClinVar:

NM_001130438.3(SPTAN1):c.6707+220G>A

Gene: SPTAN1 (spectrin alpha, non-erythrocytic 1; plus strand). Cytogenetic location: 9q34.11.
Variant type: single nucleotide variant.
Coding change: c.6707+220G>A on transcript NM_001130438.3 (MANE Select); 220 bases into the intron after coding-DNA position 6707, G replaced by A.
Molecular consequence: intron variant.
Genome position (GRCh38, 1-based): chr9:128,628,162, G>A. VCF-style: chr9-128628162-G-A. GRCh37 (hg19) VCF-style: chr9-131390441-G-A.
Other names: c.6707+220G>A (NM_001363759.2); c.6692+220G>A (NM_003127.4); c.6647+220G>A (NM_001363765.2); c.6632+220G>A (NM_001195532.2).
Identifiers: ClinVar variation 677662 (VCV000677662.1), dbSNP rs7857827, ClinGen allele CA5265840.

ClinVar aggregate classification (germline): Benign (1 of 4 stars; one submission).

Allele frequency attached by ClinVar (database versions not stated): gnomAD exomes 0.00265 and 0.00538; ExAC 0.01036; 1000 Genomes Project 0.02037; 1000 Genomes Project 30x 0.02108; gnomAD 0.02113 and 0.02279; TOPMed 0.02473.
gnomAD v4.1: 4,814 of 725,582 alleles (0.66%); highest among the groups gnomAD compares: African/African-American, 7.3%; 162 homozygotes.

Submission:

GeneDx
Classification: Benign. Last evaluated: 2018-06-14. Review status: criteria provided, single submitter. Criteria: GeneDx Variant Classification (06012015). Collection method: clinical testing. Allele origin: germline. Affected: yes.
Comment: This variant is considered likely benign or benign based on one or more of the following criteria: it is a conservative change, it occurs at a poorly conserved position in the protein, it is predicted to be benign by multiple in silico algorithms, and/or has population frequency not consistent with disease.